The following is an entry in ClinVar:

ClinVar aggregate classification (germline): Uncertain significance (1 of 4 stars; one submission).

Conditions:
Hyper-IgE recurrent infection syndrome 1, autosomal dominant. Also called: JOB SYNDROME; HYPER-IgE SYNDROME 1, AUTOSOMAL DOMINANT, WITH RECURRENT INFECTIONS; Job's Syndrome; STAT3 Hyper IgE Syndrome; Hyper-IgE recurrent infection syndrome 1. Identifiers: Orphanet 2314, MedGen C2936739, MONDO:0007818, OMIM 147060.
STAT3 gain of function. Identifiers: MedGen C4288261.

Submission:

Labcorp Genetics (formerly Invitae), Labcorp
Classification: Uncertain significance for STAT3 gain of function; Hyper-IgE recurrent infection syndrome 1, autosomal dominant. Last evaluated: 2022-01-26. Review status: criteria provided, single submitter. Criteria: Invitae Variant Classification Sherloc (09022015). Collection method: clinical testing. Allele origin: germline.
Comment: In summary, the available evidence is currently insufficient to determine the role of this variant in disease. Therefore, it has been classified as a Variant of Uncertain Significance. This variant has not been reported in the literature in individuals affected with STAT3-related conditions. This variant is not present in population databases (gnomAD no frequency). This sequence change creates a premature translational stop signal (p.Gln635*) in the STAT3 gene. It is expected to result in an absent or disrupted protein product. However, the current clinical and genetic evidence is not sufficient to establish whether loss-of-function variants in STAT3 cause disease.

NM_139276.3(STAT3):c.1903C>T (p.Gln635Ter)

Gene: STAT3 (signal transducer and activator of transcription 3; minus strand). Cytogenetic location: 17q21.2.
Variant type: single nucleotide variant.
Coding change: c.1903C>T on transcript NM_139276.3 (MANE Select); coding-DNA position 1903, C replaced by T.
Protein change: p.Gln635Ter; replaces glutamine 635 with a stop codon.
Molecular consequence: nonsense.
Genome position (GRCh38, 1-based): chr17:42,322,480, G>A on the plus strand (C>T on the coding strand, the complement: STAT3 is on the minus strand). VCF-style: chr17-42322480-G-A. GRCh37 (hg19) VCF-style: chr17-40474498-G-A.
Other names: c.1903C>T, p.Gln635Ter (NM_001369514.1, NM_001369516.1, NM_001369517.1 and 9 more transcripts); c.1819C>T, p.Gln607Ter (NM_001384984.1); c.1825C>T, p.Gln609Ter (NM_001384985.1); c.1918C>T, p.Gln640Ter (NM_001384986.1, NM_001384990.1); c.1882C>T, p.Gln628Ter (NM_001384987.1); c.1807C>T, p.Gln603Ter (NM_001384989.1); c.1876C>T, p.Gln626Ter (NM_001384991.1); c.1843C>T, p.Gln615Ter (NM_001384992.1); short protein forms Q607*, Q640*, Q603*, Q609*, Q615*, Q626*, Q635*, Q628*.
Identifiers: ClinVar variation 2065526 (VCV002065526.4), dbSNP rs2081523052, ClinGen allele CA399582521.